The following is an entry in ClinVar:

NM_004369.4(COL6A3):c.3275T>C (p.Val1092Ala)

Gene: COL6A3 (collagen type VI alpha 3 chain; minus strand). Cytogenetic location: 2q37.3.
Variant type: single nucleotide variant.
Coding change: c.3275T>C on transcript NM_004369.4 (MANE Select); coding-DNA position 3275, T replaced by C.
Protein change: p.Val1092Ala; replaces valine 1092 with alanine.
Molecular consequence: missense variant.
Genome position (GRCh38, 1-based): chr2:237,374,816, A>G on the plus strand (T>C on the coding strand, the complement: COL6A3 is on the minus strand). VCF-style: chr2-237374816-A-G. GRCh37 (hg19) VCF-style: chr2-238283459-A-G.
Other names: c.2054T>C, p.Val685Ala (NM_057164.5); c.2657T>C, p.Val886Ala (NM_057165.5, NM_057167.4); c.1454T>C, p.Val485Ala (NM_057166.5); short protein forms V685A, V886A, V485A, V1092A.
Identifiers: ClinVar variation 2785049 (VCV002785049.3), dbSNP rs975827839, ClinGen allele CA351204014.
Genomic context (GRCh38, chr2:237,374,816, plus strand): 5'-AGGGCGGCCCCGGTGTTGGGGGTCGGCCCTCCCAGCAGGGTCAGCTGGCGGACAGCGTTG[A>G]CGACGTCCTGCTTGTTCATGTATGAATTCAGGTAGAACTCGGGCCTGGTCCGGTCGCTGT-3'
Protein context (NP_004360.2, residues 1082-1102): LNSYMNKQDV[Val1092Ala]NAVRQLTLLG

ClinVar aggregate classification (germline): Uncertain significance (1 of 4 stars; one submission).

Conditions:
Bethlem myopathy 1A. Also called: Bethlem myopathy 1; MYOPATHY, BENIGN CONGENITAL, WITH CONTRACTURES; Bethlem Muscular Dystrophy. Identifiers: Orphanet 610, MedGen CN029274, MONDO:0024530, OMIM 158810.

Submission:

Labcorp Genetics (formerly Invitae), Labcorp
Classification: Uncertain significance for Bethlem myopathy 1A. Last evaluated: 2025-09-22. Review status: criteria provided, single submitter. Criteria: Invitae Variant Classification Sherloc (09022015). Collection method: clinical testing. Allele origin: germline.
Comment: This sequence change replaces valine, which is neutral and non-polar, with alanine, which is neutral and non-polar, at codon 1092 of the COL6A3 protein (p.Val1092Ala). This variant is not present in population databases (gnomAD no frequency). This variant has not been reported in the literature in individuals affected with COL6A3-related conditions. ClinVar contains an entry for this variant (Variation ID: 2785049). Invitae Evidence Modeling of protein sequence and biophysical properties (such as structural, functional, and spatial information, amino acid conservation, physicochemical variation, residue mobility, and thermodynamic stability) indicates that this missense variant is not expected to disrupt COL6A3 protein function with a negative predictive value of 80%. In summary, the available evidence is currently insufficient to determine the role of this variant in disease. Therefore, it has been classified as a Variant of Uncertain Significance.